The following is an entry in ClinVar:

NM_001563.4(IMPG1):c.797C>T (p.Ser266Phe)

Gene: IMPG1 (interphotoreceptor matrix proteoglycan 1; minus strand). Cytogenetic location: 6q14.1.
Variant type: single nucleotide variant.
Coding change: c.797C>T on transcript NM_001563.4 (MANE Select); coding-DNA position 797, C replaced by T.
Protein change: p.Ser266Phe; replaces serine 266 with phenylalanine.
Molecular consequence: missense variant.
Genome position (GRCh38, 1-based): chr6:76,018,728, G>A on the plus strand (C>T on the coding strand, the complement: IMPG1 is on the minus strand). VCF-style: chr6-76018728-G-A. GRCh37 (hg19) VCF-style: chr6-76728445-G-A.
Other names: c.563C>T, p.Ser188Phe (NM_001282368.2); short protein forms S266F, S188F.
Identifiers: ClinVar variation 2864848 (VCV002864848.3), dbSNP rs768761881, ClinGen allele CA3898337.

ClinVar aggregate classification (germline): Uncertain significance (1 of 4 stars; one submission).

Allele frequency attached by ClinVar (database versions not stated): gnomAD 0.00001; ExAC 0.00001; TOPMed 0.00002.
gnomAD v4.1: 32 of 1,613,152 alleles (0.002%); highest among the groups gnomAD compares: African/African-American, 0.0027%; no homozygotes.

Submission:

Labcorp Genetics (formerly Invitae), Labcorp
Classification: Uncertain significance. Last evaluated: 2025-12-13. Review status: criteria provided, single submitter. Criteria: Invitae Variant Classification Sherloc (09022015). Collection method: clinical testing. Allele origin: germline.
Comment: This sequence change replaces serine, which is neutral and polar, with phenylalanine, which is neutral and non-polar, at codon 266 of the IMPG1 protein (p.Ser266Phe). This variant is present in population databases (rs768761881, gnomAD 0.0009%). This variant has not been reported in the literature in individuals affected with IMPG1-related conditions. ClinVar contains an entry for this variant (Variation ID: 2864848). An algorithm developed to predict the effect of missense changes on protein structure and function outputs the following: PolyPhen-2: "Probably Damaging". The phenylalanine amino acid residue is found in multiple mammalian species, which suggests that this missense change does not adversely affect protein function. In summary, the available evidence is currently insufficient to determine the role of this variant in disease. Therefore, it has been classified as a Variant of Uncertain Significance.